The following is an entry in ClinVar:

ClinVar aggregate classification (germline): Uncertain significance (1 of 4 stars; one submission).

Allele frequency attached by ClinVar (database versions not stated): gnomAD exomes below 0.00001.
gnomAD v4.1: 2 of 1,612,498 alleles (0.00012%); highest among the groups gnomAD compares: Non-Finnish European, 0.000085%; no homozygotes.

Submission:

Labcorp Genetics (formerly Invitae), Labcorp
Classification: Uncertain significance. Last evaluated: 2022-08-20. Review status: criteria provided, single submitter. Criteria: Invitae Variant Classification Sherloc (09022015). Collection method: clinical testing. Allele origin: germline.
Comment: This sequence change replaces valine, which is neutral and non-polar, with phenylalanine, which is neutral and non-polar, at codon 722 of the COL11A2 protein (p.Val722Phe). This variant is not present in population databases (gnomAD no frequency). This variant has not been reported in the literature in individuals affected with COL11A2-related conditions. Advanced modeling of protein sequence and biophysical properties (such as structural, functional, and spatial information, amino acid conservation, physicochemical variation, residue mobility, and thermodynamic stability) performed at Invitae indicates that this missense variant is not expected to disrupt COL11A2 protein function. In summary, the available evidence is currently insufficient to determine the role of this variant in disease. Therefore, it has been classified as a Variant of Uncertain Significance.

NM_080680.3(COL11A2):c.2164G>T (p.Val722Phe)

Gene: COL11A2 (collagen type XI alpha 2 chain; minus strand). Cytogenetic location: 6p21.32.
Variant type: single nucleotide variant.
Coding change: c.2164G>T on transcript NM_080680.3 (MANE Select); coding-DNA position 2164, G replaced by T.
Protein change: p.Val722Phe; replaces valine 722 with phenylalanine.
Molecular consequence: missense variant.
Genome position (GRCh38, 1-based): chr6:33,176,438, C>A on the plus strand (G>T on the coding strand, the complement: COL11A2 is on the minus strand). VCF-style: chr6-33176438-C-A. GRCh37 (hg19) VCF-style: chr6-33144215-C-A.
Other names: c.1843G>T, p.Val615Phe (NM_080679.3); c.1906G>T, p.Val636Phe (NM_080681.3); short protein forms V615F, V636F, V722F.
Identifiers: ClinVar variation 1969272 (VCV001969272.2), dbSNP rs2535089862, ClinGen allele CA363649746.